The following is an entry in ClinVar:

ClinVar aggregate classification (germline): Pathogenic (1 of 4 stars; one submission).

Submission:

Labcorp Genetics (formerly Invitae), Labcorp
Classification: Pathogenic. Last evaluated: 2023-03-16. Review status: criteria provided, single submitter. Criteria: Invitae Variant Classification Sherloc (09022015). Collection method: clinical testing. Allele origin: germline.
Comment: This sequence change creates a premature translational stop signal (p.Tyr159*) in the C8B gene. It is expected to result in an absent or disrupted protein product. Loss-of-function variants in C8B are known to be pathogenic (PMID: 7594510). This variant is not present in population databases (gnomAD no frequency). This variant has not been reported in the literature in individuals affected with C8B-related conditions. For these reasons, this variant has been classified as Pathogenic.

Literature cited by the submitters: PubMed 7594510.

NM_000066.4(C8B):c.477T>G (p.Tyr159Ter)

Gene: C8B (complement C8 beta chain; minus strand). Cytogenetic location: 1p32.2.
Variant type: single nucleotide variant.
Coding change: c.477T>G on transcript NM_000066.4 (MANE Select); coding-DNA position 477, T replaced by G.
Protein change: p.Tyr159Ter; replaces tyrosine 159 with a stop codon.
Molecular consequence: nonsense.
Genome position (GRCh38, 1-based): chr1:56,954,742, A>C on the plus strand (T>G on the coding strand, the complement: C8B is on the minus strand). VCF-style: chr1-56954742-A-C. GRCh37 (hg19) VCF-style: chr1-57420415-A-C.
Other names: c.321T>G, p.Tyr107Ter (NM_001278543.2); c.291T>G, p.Tyr97Ter (NM_001278544.2); short protein forms Y97*, Y107*, Y159*.
Identifiers: ClinVar variation 2844283 (VCV002844283.3), dbSNP rs2522772830, ClinGen allele CA340509958.